The following is an entry in ClinVar:

ClinVar aggregate classification (germline): Likely benign. Review status: criteria provided, single submitter (1 of 4 stars). 2 submissions from 2 submitters: Likely benign (1). 1 of the submissions does not count toward it. Last evaluated 2025-07-21.

Conditions:
Hereditary sensory and autonomic neuropathy type 7. Also called: HSAN VII; Neuropathy, hereditary sensory and autonomic, type VII. Identifiers: Orphanet 391397, MedGen C3809882, MONDO:0014244, OMIM 615548.
Familial episodic pain syndrome with predominantly lower limb involvement. Also called: Episodic pain syndrome, familial, 3. Identifiers: Orphanet 391384, Orphanet 391392, MedGen C3809899, MONDO:0014247, OMIM 615552.
SCN11A-related disorder. Also called: SCN11A-related condition.

Allele frequency attached by ClinVar (database versions not stated): gnomAD exomes 0.00002 and 0.00008; ExAC 0.00009; ESP Exome Variant Server 0.00023; 1000 Genomes Project 30x 0.00016; 1000 Genomes Project 0.00020; gnomAD 0.00022 and 0.00023; TOPMed 0.00023.
gnomAD v4.1: 71 of 1,613,998 alleles (0.0044%); highest among the groups gnomAD compares: African/African-American, 0.069%; no homozygotes.

Submissions (2):

Labcorp Genetics (formerly Invitae), Labcorp
Classification: Likely benign for Familial episodic pain syndrome with predominantly lower limb involvement; Hereditary sensory and autonomic neuropathy type 7. Last evaluated: 2025-07-21. Review status: criteria provided, single submitter. Criteria: Invitae Variant Classification Sherloc (09022015). Collection method: clinical testing. Allele origin: germline.

PreventionGenetics, part of Exact Sciences
Classification: Likely benign for SCN11A-related condition. Last evaluated: 2019-09-17. Review status: no assertion criteria provided. Collection method: clinical testing. Allele origin: germline. Not counted in ClinVar's aggregate classification.
Comment: This variant is classified as likely benign based on ACMG/AMP sequence variant interpretation guidelines (Richards et al. 2015 PMID: 25741868, with internal and published modifications).

NM_001349253.2(SCN11A):c.1105C>T (p.Leu369=)

Gene: SCN11A (sodium voltage-gated channel alpha subunit 11; minus strand). Cytogenetic location: 3p22.2.
Variant type: single nucleotide variant.
Coding change: c.1105C>T on transcript NM_001349253.2 (MANE Select); coding-DNA position 1105, C replaced by T.
Protein change: p.Leu369=; no amino-acid change (leucine 369 retained).
Molecular consequence: synonymous variant.
Genome position (GRCh38, 1-based): chr3:38,909,191, G>A on the plus strand (C>T on the coding strand, the complement: SCN11A is on the minus strand). VCF-style: chr3-38909191-G-A. GRCh37 (hg19) VCF-style: chr3-38950682-G-A.
Other names: c.1105C>T, p.Leu369= (NM_014139.3).
Identifiers: ClinVar variation 704094 (VCV000704094.13), dbSNP rs34696622, ClinGen allele CA2322392.